The following is an entry in ClinVar:

NM_005035.4(POLRMT):c.3167A>G (p.Glu1056Gly)

Gene: POLRMT (RNA polymerase mitochondrial; minus strand). Cytogenetic location: 19p13.3.
Variant type: single nucleotide variant.
Coding change: c.3167A>G on transcript NM_005035.4 (MANE Select); coding-DNA position 3167, A replaced by G.
Protein change: p.Glu1056Gly; replaces glutamic acid 1056 with glycine.
Molecular consequence: missense variant. On other transcripts: non-coding transcript variant (1).
Genome position (GRCh38, 1-based): chr19:619,097, T>C on the plus strand (A>G on the coding strand, the complement: POLRMT is on the minus strand). VCF-style: chr19-619097-T-C. GRCh37 (hg19) VCF-style: chr19-619097-T-C.
Other names: c.3155A>G, p.Glu1052Gly (NM_001407807.1, NM_001407810.1); c.3176A>G, p.Glu1059Gly (NM_001407808.1); c.3158A>G, p.Glu1053Gly (NM_001407809.1, NM_001407806.1); c.3125A>G, p.Glu1042Gly (NM_001407811.1, NM_001407813.1); c.3128A>G, p.Glu1043Gly (NM_001407812.1); c.3089A>G, p.Glu1030Gly (NM_001407814.1, NM_001407815.1); c.3167A>G, p.Glu1056Gly (NM_001407816.1, NM_001407805.1); c.3044A>G, p.Glu1015Gly (NM_001407829.1); and 5 more; short protein forms E1015G, E1030G, E1042G, E1043G, E1052G, E1053G, E1056G, E1059G.
Identifiers: ClinVar variation 4056759 (VCV004056759.1).

ClinVar aggregate classification (germline): Uncertain significance (1 of 4 stars; one submission).

Conditions:
Combined oxidative phosphorylation deficiency 55 (COXPD55). Identifiers: MedGen C5676915, MONDO:0859228, OMIM 619743.

Submission:

Laboratorio de Genetica e Diagnostico Molecular, Hospital Israelita Albert Einstein
Classification: Uncertain significance for Combined oxidative phosphorylation deficiency 55. Last evaluated: 2024-09-27. Review status: criteria provided, single submitter. Criteria: ACMG Guidelines, 2015. Collection method: clinical testing. Allele origin: germline. Affected: yes.
Comment: ACMG classification criteria: PM2 supporting